The following is an entry in ClinVar:

NM_152564.5(VPS13B):c.10061+1G>A

Gene: VPS13B (vacuolar protein sorting 13 homolog B; plus strand). Cytogenetic location: 8q22.2.
Variant type: single nucleotide variant.
Coding change: c.10061+1G>A on transcript NM_152564.5 (MANE Select); the canonical splice donor site of the intron after coding-DNA position 10061, G replaced by A.
Molecular consequence: splice donor variant.
Genome position (GRCh38, 1-based): chr8:99,848,895, G>A. VCF-style: chr8-99848895-G-A. GRCh37 (hg19) VCF-style: chr8-100861123-G-A.
Other names: c.10136+1G>A (NM_017890.5).
Identifiers: ClinVar variation 555520 (VCV000555520.10), dbSNP rs1200459145, ClinGen allele CA371779998.

ClinVar aggregate classification (germline): Likely pathogenic. Review status: criteria provided, single submitter (1 of 4 stars). 2 submissions from 2 submitters: Likely pathogenic (1). 1 of the submissions does not count toward it. Last evaluated 2026-01-06.

Conditions:
Cohen syndrome (COH1). Also called: Cutis verticis gyrata, retinitis pigmentosa, and sensorineural deafness; PEPPER SYNDROME. Identifiers: Orphanet 193, MedGen C0265223, MONDO:0008999, OMIM 216550.

Allele frequency attached by ClinVar (database versions not stated): gnomAD exomes below 0.00001; gnomAD 0.00001.
gnomAD v4.1: 2 of 1,612,502 alleles (0.00012%); highest among the groups gnomAD compares: Non-Finnish European, 0.00017%; no homozygotes.

Submissions (2):

Labcorp Genetics (formerly Invitae), Labcorp
Classification: Likely pathogenic for Cohen syndrome. Last evaluated: 2026-01-06. Review status: criteria provided, single submitter. Criteria: Invitae Variant Classification Sherloc (09022015). Collection method: clinical testing. Allele origin: germline.
Comment: This sequence change affects a donor splice site in intron 55 of the VPS13B gene. It is expected to disrupt RNA splicing. Variants that disrupt the donor or acceptor splice site typically lead to a loss of protein function (PMID: 16199547), and loss-of-function variants in VPS13B are known to be pathogenic (PMID: 15141358, 16648375, 20461111). This variant is present in population databases (no rsID available, gnomAD 0.0009%). This variant has not been reported in the literature in individuals affected with VPS13B-related conditions. ClinVar contains an entry for this variant (Variation ID: 555520). Algorithms developed to predict the effect of sequence changes on RNA splicing suggest that this variant may disrupt the consensus splice site. In summary, the currently available evidence indicates that the variant is pathogenic, but additional data are needed to prove that conclusively. Therefore, this variant has been classified as Likely Pathogenic.

Counsyl
Classification: Likely pathogenic for Cohen syndrome. Last evaluated: 2017-12-18. Review status: no assertion criteria provided. Collection method: clinical testing. Allele origin: unknown. Not counted in ClinVar's aggregate classification.

Literature cited by the submitters: PubMed 16199547 (cited by Labcorp Genetics (formerly Invitae), Labcorp); PubMed 15141358 (cited by Labcorp Genetics (formerly Invitae), Labcorp); PubMed 16648375 (cited by Labcorp Genetics (formerly Invitae), Labcorp); PubMed 20461111 (cited by Labcorp Genetics (formerly Invitae), Labcorp).